The following is an entry in ClinVar:

ClinVar aggregate classification (germline): Uncertain significance (1 of 4 stars; one submission).

Conditions:
Pontocerebellar hypoplasia type 1A (PCH1A). Also called: PONTOCEREBELLAR HYPOPLASIA WITH ANTERIOR HORN CELL DISEASE; PONTOCEREBELLAR HYPOPLASIA WITH INFANTILE SPINAL MUSCULAR ATROPHY. Identifiers: Orphanet 2254, Orphanet 88616, MedGen C1843504, MONDO:0011866, OMIM 607596.

Allele frequency attached by ClinVar (database versions not stated): gnomAD exomes below 0.00001 and 0.00001; gnomAD 0.00001; ExAC 0.00003.
gnomAD v4.1: 2 of 1,605,784 alleles (0.00012%); highest among the groups gnomAD compares: Non-Finnish European, 0.00017%; no homozygotes.

Submission:

Labcorp Genetics (formerly Invitae), Labcorp
Classification: Uncertain significance for Pontocerebellar hypoplasia type 1A. Last evaluated: 2022-09-01. Review status: criteria provided, single submitter. Criteria: Invitae Variant Classification Sherloc (09022015). Collection method: clinical testing. Allele origin: germline.
Comment: This sequence change replaces lysine, which is basic and polar, with arginine, which is basic and polar, at codon 392 of the VRK1 protein (p.Lys392Arg). The frequency data for this variant in the population databases is considered unreliable, as metrics indicate poor data quality at this position in the gnomAD database. This variant has not been reported in the literature in individuals affected with VRK1-related conditions. ClinVar contains an entry for this variant (Variation ID: 1358510). Algorithms developed to predict the effect of missense changes on protein structure and function output the following: SIFT: "Tolerated"; PolyPhen-2: "Benign"; Align-GVGD: "Class C0". The arginine amino acid residue is found in multiple mammalian species, which suggests that this missense change does not adversely affect protein function. In summary, the available evidence is currently insufficient to determine the role of this variant in disease. Therefore, it has been classified as a Variant of Uncertain Significance.

NM_003384.3(VRK1):c.1175A>G (p.Lys392Arg)

Gene: VRK1 (VRK serine/threonine kinase 1; plus strand). Cytogenetic location: 14q32.2.
Variant type: single nucleotide variant.
Coding change: c.1175A>G on transcript NM_003384.3 (MANE Select); coding-DNA position 1175, A replaced by G.
Protein change: p.Lys392Arg; replaces lysine 392 with arginine.
Molecular consequence: missense variant.
Genome position (GRCh38, 1-based): chr14:96,881,192, A>G. VCF-style: chr14-96881192-A-G. GRCh37 (hg19) VCF-style: chr14-97347529-A-G.
Other names: short protein forms K392R.
Identifiers: ClinVar variation 1358510 (VCV001358510.6), dbSNP rs759541730, ClinGen allele CA7339224.